The following is an entry in ClinVar:

NM_001354768.3(NRL):c.425T>A (p.Val142Glu)

Gene: NRL (neural retina leucine zipper; minus strand). Cytogenetic location: 14q11.2.
Variant type: single nucleotide variant.
Coding change: c.425T>A on transcript NM_001354768.3 (MANE Select); coding-DNA position 425, T replaced by A.
Protein change: p.Val142Glu; replaces valine 142 with glutamic acid.
Molecular consequence: missense variant.
Genome position (GRCh38, 1-based): chr14:24,081,525, A>T on the plus strand (T>A on the coding strand, the complement: NRL is on the minus strand). VCF-style: chr14-24081525-A-T. GRCh37 (hg19) VCF-style: chr14-24550734-A-T.
Other names: c.425T>A, p.Val142Glu (NM_001354769.1, NM_006177.5); c.110T>A, p.Val37Glu (NM_001354770.2); short protein forms V37E, V142E.
Identifiers: ClinVar variation 1476277 (VCV001476277.6), dbSNP rs576841649, ClinGen allele CA389278798.

ClinVar aggregate classification (germline): Uncertain significance (1 of 4 stars; one submission).

Allele frequency attached by ClinVar (database versions not stated): TOPMed below 0.00001; gnomAD 0.00001.
gnomAD v4.1: 7 of 1,604,466 alleles (0.00044%); highest among the groups gnomAD compares: Non-Finnish European, 0.00059%; no homozygotes.

Submission:

Labcorp Genetics (formerly Invitae), Labcorp
Classification: Uncertain significance. Last evaluated: 2024-05-25. Review status: criteria provided, single submitter. Criteria: Invitae Variant Classification Sherloc (09022015). Collection method: clinical testing. Allele origin: germline.
Comment: This sequence change replaces valine, which is neutral and non-polar, with glutamic acid, which is acidic and polar, at codon 142 of the NRL protein (p.Val142Glu). This variant is not present in population databases (gnomAD no frequency). This variant has not been reported in the literature in individuals affected with NRL-related conditions. ClinVar contains an entry for this variant (Variation ID: 1476277). An algorithm developed to predict the effect of missense changes on protein structure and function (PolyPhen-2) suggests that this variant is likely to be disruptive. In summary, the available evidence is currently insufficient to determine the role of this variant in disease. Therefore, it has been classified as a Variant of Uncertain Significance.